The following is an entry in ClinVar:

NM_000143.4(FH):c.1204C>A (p.His402Asn)

Gene: FH (fumarate hydratase; minus strand). Cytogenetic location: 1q43.
Variant type: single nucleotide variant.
Coding change: c.1204C>A on transcript NM_000143.4 (MANE Select); coding-DNA position 1204, C replaced by A.
Protein change: p.His402Asn; replaces histidine 402 with asparagine.
Molecular consequence: missense variant.
Genome position (GRCh38, 1-based): chr1:241,502,475, G>T on the plus strand (C>A on the coding strand, the complement: FH is on the minus strand). VCF-style: chr1-241502475-G-T. GRCh37 (hg19) VCF-style: chr1-241665775-G-T.
Other names: short protein forms H402N.
Identifiers: ClinVar variation 2048907 (VCV002048907.5), dbSNP rs760360724, ClinGen allele CA345437337.
Genomic context (GRCh38, chr1:241,502,475, plus strand): 5'-AACATTAAAAATCAGATTTAAAGCTTACCATCATTGGCTTGAAAACATTCAACTCAAAAT[G>T]TCCATTGCTGCCTCCGACAGTGACAGCAACATGGTTCCCCATGACTTGGGCTGCAACCAT-3'
Protein context (NP_000134.2, residues 392-412): VAVTVGGSNG[His402Asn]FELNVFKPMM

ClinVar aggregate classification (germline): Uncertain significance. Review status: criteria provided, multiple submitters, no conflicts (2 of 4 stars). 2 submissions from 2 submitters: Uncertain significance (2). Last evaluated 2025-05-01.

Conditions:
Hereditary cancer-predisposing syndrome. Also called: Hereditary neoplastic syndrome; Neoplastic Syndromes, Hereditary; Tumor predisposition; Hereditary Cancer Syndrome. Identifiers: Orphanet 140162, MedGen C0027672, MeSH D009386, MONDO:0015356.

gnomAD v4.1: 2 of 1,614,078 alleles (0.00012%); highest among the groups gnomAD compares: Non-Finnish European, 0.00017%; no homozygotes.

Submissions (2):

Ambry Genetics
Classification: Uncertain significance for Hereditary cancer-predisposing syndrome. Last evaluated: 2025-05-01. Review status: criteria provided, single submitter. Criteria: Ambry Variant Classification Scheme 2023. Collection method: clinical testing. Allele origin: germline.
Comment: The p.H402N variant (also known as c.1204C>A), located in coding exon 8 of the FH gene, results from a C to A substitution at nucleotide position 1204. The histidine at codon 402 is replaced by asparagine, an amino acid with similar properties. This amino acid position is highly conserved in available vertebrate species. In addition, the in silico prediction for this alteration is inconclusive. Based on the available evidence, the clinical significance of this variant remains unclear.

Labcorp Genetics (formerly Invitae), Labcorp
Classification: Uncertain significance. Last evaluated: 2021-12-19. Review status: criteria provided, single submitter. Criteria: Invitae Variant Classification Sherloc (09022015). Collection method: clinical testing. Allele origin: germline.
Comment: This sequence change replaces histidine, which is basic and polar, with asparagine, which is neutral and polar, at codon 402 of the FH protein (p.His402Asn). In summary, the available evidence is currently insufficient to determine the role of this variant in disease. Therefore, it has been classified as a Variant of Uncertain Significance. This variant disrupts the p.His402 amino acid residue in FH. Other variant(s) that disrupt this residue have been determined to be pathogenic (Invitae). This suggests that this residue is clinically significant, and that variants that disrupt this residue are likely to be disease-causing. Algorithms developed to predict the effect of missense changes on protein structure and function (SIFT, PolyPhen-2, Align-GVGD) all suggest that this variant is likely to be tolerated. This variant has not been reported in the literature in individuals affected with FH-related conditions. This variant is not present in population databases (gnomAD no frequency).